The following is an entry in ClinVar:

ClinVar aggregate classification (germline): Uncertain significance (1 of 4 stars; one submission).

Allele frequency attached by ClinVar (database versions not stated): gnomAD exomes below 0.00001; ExAC 0.00001.
gnomAD v4.1: 4 of 1,613,018 alleles (0.00025%); highest among the groups gnomAD compares: Middle Eastern, 0.017%; no homozygotes.

Submission:

GeneDx
Classification: Uncertain significance. Last evaluated: 2022-01-11. Review status: criteria provided, single submitter. Criteria: GeneDx Variant Classification Process June 2021. Collection method: clinical testing. Allele origin: germline. Affected: yes.
Comment: Not observed at significant frequency in large population cohorts (gnomAD); Missense variants in this gene are often considered pathogenic (HGMD); In silico analysis supports that this missense variant does not alter protein structure/function; Has not been previously published as pathogenic or benign to our knowledge; This substitution is predicted to be within the extracellular loop between the S5 and S6 transmembrane segments of the first homologous domain.

NM_001040142.2(SCN2A):c.896C>T (p.Ser299Leu)

Gene: SCN2A (sodium voltage-gated channel alpha subunit 2; plus strand). Cytogenetic location: 2q24.3.
Variant type: single nucleotide variant.
Coding change: c.896C>T on transcript NM_001040142.2 (MANE Select); coding-DNA position 896, C replaced by T.
Protein change: p.Ser299Leu; replaces serine 299 with leucine.
Molecular consequence: missense variant.
Genome position (GRCh38, 1-based): chr2:165,310,521, C>T. VCF-style: chr2-165310521-C-T. GRCh37 (hg19) VCF-style: chr2-166167031-C-T.
Other names: c.896C>T, p.Ser299Leu (NM_001040143.2, NM_001371246.1, NM_001371247.1 and 1 more transcripts); short protein forms S299L.
Identifiers: ClinVar variation 1695885 (VCV001695885.2), dbSNP rs767386387, ClinGen allele CA1939711.
Genomic context (GRCh38, chr2:165,310,521, plus strand): 5'-TGCAATGGCCTCCAGATAATTCTTCCTTTGAAATAAATATCACTTCCTTCTTTAACAATT[C>T]ATTGGATGGGAATGGTACTACTTTCAATAGGACAGTGAGCATATTTAACTGGGATGAATA-3'
Protein context (NP_001035232.1, residues 289-309): EINITSFFNN[Ser299Leu]LDGNGTTFNR